The following is an entry in ClinVar:

ClinVar aggregate classification (germline): Likely benign (1 of 4 stars; one submission).

Allele frequency attached by ClinVar (database versions not stated): gnomAD 0.00001; gnomAD exomes 0.00001; TOPMed 0.00001; ExAC 0.00001.
gnomAD v4.1: 11 of 1,613,782 alleles (0.00068%); highest among the groups gnomAD compares: African/African-American, 0.0027%; no homozygotes.

Submission:

CeGaT Center for Human Genetics Tuebingen
Classification: Likely benign. Last evaluated: 2024-05-01. Review status: criteria provided, single submitter. Criteria: CeGaT Center For Human Genetics Tuebingen Variant Classification Criteria Version 2. Collection method: clinical testing. Allele origin: germline. Affected: yes. Observed: 1 variant allele.
Comment: KDM3B: BP4, BP7

NM_016604.4(KDM3B):c.5241G>A (p.Ala1747=)

Gene: KDM3B (lysine demethylase 3B; plus strand). Cytogenetic location: 5q31.2.
Variant type: single nucleotide variant.
Coding change: c.5241G>A on transcript NM_016604.4 (MANE Select); coding-DNA position 5241, G replaced by A.
Protein change: p.Ala1747=; no amino-acid change (alanine 1747 retained).
Molecular consequence: synonymous variant.
Genome position (GRCh38, 1-based): chr5:138,435,655, G>A. VCF-style: chr5-138435655-G-A. GRCh37 (hg19) VCF-style: chr5-137771344-G-A.
Identifiers: ClinVar variation 3239558 (VCV003239558.19), dbSNP rs750762083.